The following is an entry in ClinVar:

NM_001330260.2(SCN8A):c.3254C>T (p.Ser1085Phe)

Gene: SCN8A (sodium voltage-gated channel alpha subunit 8; plus strand). Cytogenetic location: 12q13.13.
Variant type: single nucleotide variant.
Coding change: c.3254C>T on transcript NM_001330260.2 (MANE Select); coding-DNA position 3254, C replaced by T.
Protein change: p.Ser1085Phe; replaces serine 1085 with phenylalanine.
Molecular consequence: missense variant.
Genome position (GRCh38, 1-based): chr12:51,769,217, C>T. VCF-style: chr12-51769217-C-T. GRCh37 (hg19) VCF-style: chr12-52163001-C-T.
Other names: c.3254C>T, p.Ser1085Phe (NM_001177984.3, NM_001369788.1, NM_014191.4); short protein forms S1085F.
Identifiers: ClinVar variation 4739532 (VCV004739532.1).

ClinVar aggregate classification (germline): Uncertain significance (1 of 4 stars; one submission).

Conditions:
Early-infantile DEE. Also called: Early infantile epileptic encephalopathy; Ohtahara syndrome; Early infantile epileptic encephalopathy with suppression bursts. Identifiers: Orphanet 1934, MedGen C0393706, MONDO:0800491.

gnomAD v4.1: 1 of 1,613,954 alleles (0.000062%); highest among the groups gnomAD compares: Non-Finnish European, 0.000085%; no homozygotes.

Submission:

Labcorp Genetics (formerly Invitae), Labcorp
Classification: Uncertain significance for Early-infantile DEE. Last evaluated: 2025-11-05. Review status: criteria provided, single submitter. Criteria: Invitae Variant Classification Sherloc (09022015). Collection method: clinical testing. Allele origin: germline.
Comment: This sequence change replaces serine, which is neutral and polar, with phenylalanine, which is neutral and non-polar, at codon 1085 of the SCN8A protein (p.Ser1085Phe). This variant is not present in population databases (gnomAD no frequency). This variant has not been reported in the literature in individuals affected with SCN8A-related conditions. Invitae Evidence Modeling of protein sequence and biophysical properties (such as structural, functional, and spatial information, amino acid conservation, physicochemical variation, residue mobility, and thermodynamic stability) indicates that this missense variant is not expected to disrupt SCN8A protein function with a negative predictive value of 95%. In summary, the available evidence is currently insufficient to determine the role of this variant in disease. Therefore, it has been classified as a Variant of Uncertain Significance.